The following is an entry in ClinVar:

NM_001204.7(BMPR2):c.2688A>C (p.Glu896Asp)

Gene: BMPR2 (bone morphogenetic protein receptor type 2; plus strand). Cytogenetic location: 2q33.2.
Variant type: single nucleotide variant.
Coding change: c.2688A>C on transcript NM_001204.7 (MANE Select); coding-DNA position 2688, A replaced by C.
Protein change: p.Glu896Asp; replaces glutamic acid 896 with aspartic acid.
Molecular consequence: missense variant.
Genome position (GRCh38, 1-based): chr2:202,556,353, A>C. VCF-style: chr2-202556353-A-C. GRCh37 (hg19) VCF-style: chr2-203421076-A-C.
Other names: short protein forms E896D.
Identifiers: ClinVar variation 3992114 (VCV003992114.1).

ClinVar aggregate classification (germline): Uncertain significance (1 of 4 stars; one submission).

Conditions:
Inborn genetic diseases. Identifiers: MedGen C0950123, MeSH D030342.

gnomAD v4.1: 2 of 1,614,234 alleles (0.00012%); highest among the groups gnomAD compares: Non-Finnish European, 0.00017%; no homozygotes.

Submission:

Ambry Genetics
Classification: Uncertain significance for Inborn genetic diseases. Last evaluated: 2025-04-11. Review status: criteria provided, single submitter. Criteria: Ambry Variant Classification Scheme 2023. Collection method: clinical testing. Allele origin: germline.
Comment: The p.E896D variant (also known as c.2688A>C), located in coding exon 12 of the BMPR2 gene, results from an A to C substitution at nucleotide position 2688. The glutamic acid at codon 896 is replaced by aspartic acid, an amino acid with highly similar properties. This amino acid position is conserved. In addition, this alteration is predicted to be tolerated by in silico analysis. Based on the available evidence, the clinical significance of this variant remains unclear.